The following is an entry in ClinVar:

ClinVar aggregate classification (germline): Likely benign. Review status: criteria provided, multiple submitters, no conflicts (2 of 4 stars). 2 submissions from 2 submitters: Likely benign (2). Last evaluated 2024-11-05.

Allele frequency attached by ClinVar (database versions not stated): gnomAD 0.00001 and 0.00003; TOPMed 0.00001; gnomAD exomes 0.00004 and 0.00007; ExAC 0.00010; 1000 Genomes Project 30x 0.00031; 1000 Genomes Project 0.00040.
gnomAD v4.1: 52 of 1,512,296 alleles (0.0034%); highest among the groups gnomAD compares: South Asian, 0.063%; 1 homozygote.

Submissions (2):

Labcorp Genetics (formerly Invitae), Labcorp
Classification: Likely benign. Last evaluated: 2024-11-05. Review status: criteria provided, single submitter. Criteria: Invitae Variant Classification Sherloc (09022015). Collection method: clinical testing. Allele origin: germline.

GeneDx
Classification: Likely benign. Last evaluated: 2017-12-12. Review status: criteria provided, single submitter. Criteria: GeneDx Variant Classification (06012015). Collection method: clinical testing. Allele origin: germline. Affected: yes.
Comment: This variant is considered likely benign or benign based on one or more of the following criteria: it is a conservative change, it occurs at a poorly conserved position in the protein, it is predicted to be benign by multiple in silico algorithms, and/or has population frequency not consistent with disease.

NM_001291303.3(FAT4):c.12299+6G>C

Gene: FAT4 (FAT atypical cadherin 4; plus strand). Cytogenetic location: 4q28.1.
Variant type: single nucleotide variant.
Coding change: c.12299+6G>C on transcript NM_001291303.3 (MANE Select); 6 bases into the intron after coding-DNA position 12299, G replaced by C.
Molecular consequence: intron variant.
Genome position (GRCh38, 1-based): chr4:125,476,262, G>C. VCF-style: chr4-125476262-G-C. GRCh37 (hg19) VCF-style: chr4-126397417-G-C.
Other names: c.12299+6G>C (NM_001291285.3); c.12293+6G>C (NM_024582.6).
Identifiers: ClinVar variation 513935 (VCV000513935.3), dbSNP rs541775780, ClinGen allele CA3074050.